The following is an entry in ClinVar:

NM_004370.6(COL12A1):c.7951G>A (p.Val2651Ile)

Gene: COL12A1 (collagen type XII alpha 1 chain; minus strand). Cytogenetic location: 6q13.
Variant type: single nucleotide variant.
Coding change: c.7951G>A on transcript NM_004370.6 (MANE Select); coding-DNA position 7951, G replaced by A.
Protein change: p.Val2651Ile; replaces valine 2651 with isoleucine.
Molecular consequence: missense variant.
Genome position (GRCh38, 1-based): chr6:75,109,167, C>T on the plus strand (G>A on the coding strand, the complement: COL12A1 is on the minus strand). VCF-style: chr6-75109167-C-T. GRCh37 (hg19) VCF-style: chr6-75818883-C-T.
Other names: c.4459G>A, p.Val1487Ile (NM_080645.3); short protein forms V2651I, V1487I.
Identifiers: ClinVar variation 1986399 (VCV001986399.4), dbSNP rs1347122880, ClinGen allele CA364742077.
Genomic context (GRCh38, chr6:75,109,167, plus strand): 5'-CTATAATTTCATAGCAGTCAATGTAAATCTTAACACTTTTTGAGGTCACTACAATATGAA[C>T]CTAAAAAGATAATTTGTTTCCATTATAAAATTTCTACACTAAAAAAATTAGCTGACTCTG-3'
Protein context (NP_004361.3, residues 2641-2661): KTLFYGSFHK[Val2651Ile]HIVVTSKSVK

ClinVar aggregate classification (germline): Uncertain significance (1 of 4 stars; one submission).

Conditions:
Ullrich congenital muscular dystrophy 2 (UCMD2). Identifiers: Orphanet 75840, MedGen C4225314, MONDO:0014654, OMIM 616470.
Bethlem myopathy 2 (BTHLM2). Identifiers: Orphanet 536516, Orphanet 610, MedGen C4225313, MONDO:0034022, OMIM 616471.

Allele frequency attached by ClinVar (database versions not stated): gnomAD exomes below 0.00001; TOPMed 0.00001.
gnomAD v4.1: 4 of 1,554,656 alleles (0.00026%); highest among the groups gnomAD compares: East Asian, 0.0091%; no homozygotes.

Submission:

Labcorp Genetics (formerly Invitae), Labcorp
Classification: Uncertain significance for Bethlem myopathy 2; Ullrich congenital muscular dystrophy 2. Last evaluated: 2022-07-14. Review status: criteria provided, single submitter. Criteria: Invitae Variant Classification Sherloc (09022015). Collection method: clinical testing. Allele origin: germline.
Comment: In summary, the available evidence is currently insufficient to determine the role of this variant in disease. Therefore, it has been classified as a Variant of Uncertain Significance. Algorithms developed to predict the effect of sequence changes on RNA splicing suggest that this variant may create or strengthen a splice site. Algorithms developed to predict the effect of missense changes on protein structure and function output the following: SIFT: "Tolerated"; PolyPhen-2: "Benign"; Align-GVGD: "Class C0". The isoleucine amino acid residue is found in multiple mammalian species, which suggests that this missense change does not adversely affect protein function. This variant has not been reported in the literature in individuals affected with COL12A1-related conditions. This variant is not present in population databases (gnomAD no frequency). This sequence change replaces valine, which is neutral and non-polar, with isoleucine, which is neutral and non-polar, at codon 2651 of the COL12A1 protein (p.Val2651Ile).